The following is an entry in ClinVar:

ClinVar aggregate classification (germline): Uncertain significance (1 of 4 stars; one submission).

Conditions:
Beckwith-Wiedemann syndrome (BWS). Also called: EMG SYNDROME; Exomphalos macroglossia gigantism syndrome. Identifiers: Orphanet 116, MedGen C0004903, MONDO:0007534, OMIM 130650.

Submission:

Labcorp Genetics (formerly Invitae), Labcorp
Classification: Uncertain significance for Beckwith-Wiedemann syndrome. Last evaluated: 2022-11-29. Review status: criteria provided, single submitter. Criteria: Invitae Variant Classification Sherloc (09022015). Collection method: clinical testing. Allele origin: germline.
Comment: This sequence change replaces alanine, which is neutral and non-polar, with valine, which is neutral and non-polar, at codon 161 of the CDKN1C protein (p.Ala161Val). The frequency data for this variant in the population databases is considered unreliable, as metrics indicate insufficient coverage at this position in the gnomAD database. This variant has not been reported in the literature in individuals affected with CDKN1C-related conditions. Advanced modeling of protein sequence and biophysical properties (such as structural, functional, and spatial information, amino acid conservation, physicochemical variation, residue mobility, and thermodynamic stability) performed at Invitae indicates that this missense variant is not expected to disrupt CDKN1C protein function. In summary, the available evidence is currently insufficient to determine the role of this variant in disease. Therefore, it has been classified as a Variant of Uncertain Significance.

NM_001122630.2(CDKN1C):c.449C>T (p.Ala150Val)

Gene: CDKN1C (cyclin dependent kinase inhibitor 1C; minus strand). Cytogenetic location: 11p15.4.
Variant type: single nucleotide variant.
Coding change: c.449C>T on transcript NM_001122630.2 (MANE Select); coding-DNA position 449, C replaced by T.
Protein change: p.Ala150Val; replaces alanine 150 with valine.
Molecular consequence: missense variant. On other transcripts: intron variant (1).
Genome position (GRCh38, 1-based): chr11:2,885,008, G>A on the plus strand (C>T on the coding strand, the complement: CDKN1C is on the minus strand). VCF-style: chr11-2885008-G-A. GRCh37 (hg19) VCF-style: chr11-2906238-G-A.
Other names: c.449C>T, p.Ala150Val (NM_001122631.2); c.482C>T, p.Ala161Val (NM_001362474.2, NM_000076.2); c.255+194C>T (NM_001362475.2); short protein forms A161V, A150V.
Identifiers: ClinVar variation 2913143 (VCV002913143.3), dbSNP rs2494387671, ClinGen allele CA379146612.